The following is an entry in ClinVar:

NM_003097.6(SNRPN):c.408A>T (p.Gly136=)

Genes: SNHG14 (small nucleolar RNA host gene 14; plus strand), SNRPN (small nuclear ribonucleoprotein polypeptide N; plus strand), SNURF (SNRPN upstream open reading frame; plus strand). Cytogenetic location: 15q11.2.
Variant type: single nucleotide variant.
Coding change: c.408A>T on transcript NM_003097.6 (MANE Select); coding-DNA position 408, A replaced by T.
Protein change: p.Gly136=; no amino-acid change (glycine 136 retained).
Molecular consequence: synonymous variant. On other transcripts: 3 prime UTR variant (1), non-coding transcript variant (1).
Genome position (GRCh38, 1-based): chr15:24,977,017, A>T. VCF-style: chr15-24977017-A-T. GRCh37 (hg19) VCF-style: chr15-25222164-A-T.
Other names: c.408A>T, p.Gly136= (NM_001400683.1, NM_001400684.1, NM_001400685.1 and 99 more transcripts); c.144A>T, p.Gly48= (NM_001400768.1); c.*596A>T (NM_005678.5); c.384A>T, p.Gly128= (NM_001400767.1, NM_001378256.1, NM_001378257.1); c.420A>T, p.Gly140= (NM_001378251.1, NM_001378252.1, NM_001378253.1 and 2 more transcripts).
Identifiers: ClinVar variation 3352887 (VCV003352887.1).
Genomic context (GRCh38, chr15:24,977,017, plus strand): 5'-TGGTGTGCCAATTCCCCAGGCCCCTGCTGGATTGGCAGGCCCTGTCCGAGGAGTTGGGGG[A>T]CCATCCCAGCAGGTGAGGAACCAGCAGAGGGTTTTATATTATTGGGAGAATATGACTAAG-3'
Protein context (NP_003088.1, residues 126-146): GLAGPVRGVG[Gly136=]PSQQVMTPQG

ClinVar aggregate classification (germline): Benign (0 of 4 stars; one submission).

Conditions:
SNRPN-related condition.

gnomAD v4.1: 230 of 1,576,290 alleles (0.015%); highest among the groups gnomAD compares: Non-Finnish European, 0.0015%; 1 homozygote.

Submission:

PreventionGenetics, part of Exact Sciences
Classification: Benign for SNRPN-related condition. Last evaluated: 2019-05-02. Review status: no assertion criteria provided. Collection method: clinical testing. Allele origin: germline.
Comment: This variant is classified as benign based on ACMG/AMP sequence variant interpretation guidelines (Richards et al. 2015 PMID: 25741868, with internal and published modifications).